The following is an entry in ClinVar:

NM_000059.4(BRCA2):c.1909+3A>G

Gene: BRCA2 (BRCA2 DNA repair associated; plus strand). Cytogenetic location: 13q13.1.
Variant type: single nucleotide variant.
Coding change: c.1909+3A>G on transcript NM_000059.4 (MANE Select); 3 bases into the intron after coding-DNA position 1909, A replaced by G.
Molecular consequence: intron variant.
Genome position (GRCh38, 1-based): chr13:32,333,390, A>G. VCF-style: chr13-32333390-A-G. GRCh37 (hg19) VCF-style: chr13-32907527-A-G.
Identifiers: ClinVar variation 232121 (VCV000232121.11), dbSNP rs876659568, ClinGen allele CA10579515.

ClinVar aggregate classification (germline): Uncertain significance. Review status: criteria provided, multiple submitters, no conflicts (2 of 4 stars). 2 submissions from 2 submitters: Uncertain significance (2). Last evaluated 2026-02-13.

Conditions:
Hereditary cancer-predisposing syndrome. Also called: Tumor predisposition; Hereditary neoplastic syndrome; Hereditary Cancer Syndrome; Neoplastic Syndromes, Hereditary. Identifiers: Orphanet 140162, MedGen C0027672, MeSH D009386, MONDO:0015356.
Hereditary breast ovarian cancer syndrome. Also called: Hereditary breast and ovarian cancer; Breast and ovarian cancer; BRCA1- and BRCA2-Associated Hereditary Breast and Ovarian Cancer; Hereditary breast and/or ovarian cancer syndrome; Hereditary breast and ovarian cancer syndrome; Hereditary breast and ovarian cancer syndrome (HBOC). Identifiers: Orphanet 145, MedGen C0677776, MeSH D061325, MONDO:0003582. Disease mechanism: loss of function.

Allele frequency attached by ClinVar (database versions not stated): gnomAD exomes below 0.00001.

Submissions (2):

Ambry Genetics
Classification: Uncertain significance for Hereditary cancer-predisposing syndrome. Last evaluated: 2026-02-13. Review status: criteria provided, single submitter. Criteria: Ambry Variant Classification Scheme 2023. Collection method: clinical testing. Allele origin: germline.
Comment: The c.1909+3A>G intronic variant results from an A to G substitution 3 nucleotides after coding exon 9 in the BRCA2 gene. This nucleotide position is well conserved in available vertebrate species. In silico splice site analysis for this alteration is inconclusive. Based on the available evidence, the clinical significance of this variant remains unclear.

Labcorp Genetics (formerly Invitae), Labcorp
Classification: Uncertain significance for Hereditary breast ovarian cancer syndrome. Last evaluated: 2021-12-23. Review status: criteria provided, single submitter. Criteria: Invitae Variant Classification Sherloc (09022015). Collection method: clinical testing. Allele origin: germline.
Comment: In summary, the available evidence is currently insufficient to determine the role of this variant in disease. Therefore, it has been classified as a Variant of Uncertain Significance. Variants that disrupt the consensus splice site are a relatively common cause of aberrant splicing (PMID: 17576681, 9536098). Algorithms developed to predict the effect of sequence changes on RNA splicing suggest that this variant may disrupt the consensus splice site. ClinVar contains an entry for this variant (Variation ID: 232121). This variant has not been reported in the literature in individuals affected with BRCA2-related conditions. This variant is not present in population databases (gnomAD no frequency). This sequence change falls in intron 10 of the BRCA2 gene. It does not directly change the encoded amino acid sequence of the BRCA2 protein. It affects a nucleotide within the consensus splice site.

Literature cited by the submitters: PubMed 17576681 (cited by Labcorp Genetics (formerly Invitae), Labcorp); PubMed 9536098 (cited by Labcorp Genetics (formerly Invitae), Labcorp).